The following is an entry in ClinVar:

ClinVar aggregate classification (germline): Uncertain significance. Review status: criteria provided, multiple submitters, no conflicts (2 of 4 stars). 3 submissions from 3 submitters: Uncertain significance (3). Last evaluated 2025-12-17.

Conditions:
Gnathodiaphyseal dysplasia (GDD). Also called: GNATHODIAPHYSEAL SCLEROSIS; OSTEOGENESIS IMPERFECTA WITH UNUSUAL SKELETAL LESIONS. Identifiers: Orphanet 53697, MedGen C1833736, MONDO:0008151, OMIM 166260.
Autosomal recessive limb-girdle muscular dystrophy type 2L (LGMDR12). Also called: Limb-Girdle Muscular Dystrophy R12 Anoctamin-5-Related (LGMD-R12); Limb-girdle muscular dystrophy, type 2L; MUSCULAR DYSTROPHY, LIMB-GIRDLE, AUTOSOMAL RECESSIVE 12. Identifiers: Orphanet 206549, MedGen C1969785, MONDO:0012652, OMIM 611307.

Allele frequency attached by ClinVar (database versions not stated): gnomAD 0.00011 and 0.00014; TOPMed 0.00018; ESP Exome Variant Server 0.00031.
gnomAD v4.1: 33 of 1,613,894 alleles (0.002%); highest among the groups gnomAD compares: African/African-American, 0.04%; no homozygotes.

Submissions (3):

Labcorp Genetics (formerly Invitae), Labcorp
Classification: Uncertain significance for Autosomal recessive limb-girdle muscular dystrophy type 2L; Gnathodiaphyseal dysplasia. Last evaluated: 2025-12-17. Review status: criteria provided, single submitter. Criteria: Invitae Variant Classification Sherloc (09022015). Collection method: clinical testing. Allele origin: germline.
Comment: This sequence change replaces isoleucine, which is neutral and non-polar, with leucine, which is neutral and non-polar, at codon 346 of the ANO5 protein (p.Ile346Leu). This variant is present in population databases (rs146233625, gnomAD 0.06%). This variant has not been reported in the literature in individuals affected with ANO5-related conditions. ClinVar contains an entry for this variant (Variation ID: 386801). Invitae Evidence Modeling of protein sequence and biophysical properties (such as structural, functional, and spatial information, amino acid conservation, physicochemical variation, residue mobility, and thermodynamic stability) has been performed for this missense variant. However, the output from this modeling did not meet the statistical confidence thresholds required to predict the impact of this variant on ANO5 protein function. In summary, the available evidence is currently insufficient to determine the role of this variant in disease. Therefore, it has been classified as a Variant of Uncertain Significance.

GeneDx
Classification: Uncertain significance. Last evaluated: 2024-12-06. Review status: criteria provided, single submitter. Criteria: GeneDx Variant Classification Process June 2021. Collection method: clinical testing. Allele origin: germline. Affected: yes.
Comment: In silico analysis indicates that this missense variant does not alter protein structure/function; Has not been previously published as pathogenic or benign to our knowledge

Blueprint Genetics
Classification: Uncertain significance. Last evaluated: 2022-04-05. Review status: criteria provided, single submitter. Criteria: ACMG Guidelines, 2015. Collection method: clinical testing. Allele origin: germline.

NM_213599.3(ANO5):c.1036A>C (p.Ile346Leu)

Gene: ANO5 (anoctamin 5; plus strand). Cytogenetic location: 11p14.3.
Variant type: single nucleotide variant.
Coding change: c.1036A>C on transcript NM_213599.3 (MANE Select); coding-DNA position 1036, A replaced by C.
Protein change: p.Ile346Leu; replaces isoleucine 346 with leucine.
Molecular consequence: missense variant.
Genome position (GRCh38, 1-based): chr11:22,250,763, A>C. VCF-style: chr11-22250763-A-C. GRCh37 (hg19) VCF-style: chr11-22272309-A-C.
Other names: c.1033A>C, p.Ile345Leu (NM_001142649.2); short protein forms I346L, I345L.
Identifiers: ClinVar variation 386801 (VCV000386801.13), dbSNP rs146233625, ClinGen allele CA5923116.